The following is an entry in ClinVar:

NM_000548.5(TSC2):c.538C>A (p.Leu180Met)

Gene: TSC2 (TSC complex subunit 2; plus strand). Cytogenetic location: 16p13.3.
Variant type: single nucleotide variant.
Coding change: c.538C>A on transcript NM_000548.5 (MANE Select); coding-DNA position 538, C replaced by A.
Protein change: p.Leu180Met; replaces leucine 180 with methionine.
Molecular consequence: missense variant. On other transcripts: intron variant (1).
Genome position (GRCh38, 1-based): chr16:2,055,458, C>A. VCF-style: chr16-2055458-C-A. GRCh37 (hg19) VCF-style: chr16-2105459-C-A.
Other names: c.538C>A, p.Leu180Met (NM_001077183.3, NM_001114382.3, NM_001363528.2 and 3 more transcripts); c.427C>A, p.Leu143Met (NM_001318827.2); c.391C>A, p.Leu131Met (NM_001318829.2); c.571C>A, p.Leu191Met (NM_001318832.2); c.-1-738C>A (NM_001318831.2); short protein forms L180M, L131M, L143M, L191M.
Identifiers: ClinVar variation 581190 (VCV000581190.8), dbSNP rs45485591, ClinGen allele CA394309407.

ClinVar aggregate classification (germline): Uncertain significance (1 of 4 stars; one submission).

Conditions:
Tuberous sclerosis 2 (TSC2). Identifiers: Orphanet 805, MedGen C1860707, MONDO:0013199, OMIM 613254.

Submission:

Labcorp Genetics (formerly Invitae), Labcorp
Classification: Uncertain significance for Tuberous sclerosis 2. Last evaluated: 2026-01-19. Review status: criteria provided, single submitter. Criteria: Invitae Variant Classification Sherloc (09022015). Collection method: clinical testing. Allele origin: germline.
Comment: This sequence change replaces leucine, which is neutral and non-polar, with methionine, which is neutral and non-polar, at codon 180 of the TSC2 protein (p.Leu180Met). This variant is not present in population databases (gnomAD no frequency). This variant has not been reported in the literature in individuals affected with TSC2-related conditions. ClinVar contains an entry for this variant (Variation ID: 581190). Invitae Evidence Modeling of protein sequence and biophysical properties (such as structural, functional, and spatial information, amino acid conservation, physicochemical variation, residue mobility, and thermodynamic stability) indicates that this missense variant is not expected to disrupt TSC2 protein function with a negative predictive value of 95%. In summary, the available evidence is currently insufficient to determine the role of this variant in disease. Therefore, it has been classified as a Variant of Uncertain Significance.